The following is an entry in ClinVar:

ClinVar aggregate classification (germline): Likely benign (1 of 4 stars; one submission).

Conditions:
ITSN2-related disorder. Also called: ITSN2-related condition.

gnomAD v4.1: 1 of 1,612,724 alleles (0.000062%); highest among the groups gnomAD compares: African/African-American, 0.0013%; no homozygotes.

Submission:

PreventionGenetics, part of Exact Sciences
Classification: Likely benign for ITSN2-related condition. Last evaluated: 2026-08-24. Review status: criteria provided, single submitter. Criteria: ACMG Guidelines, 2015. Collection method: clinical testing. Allele origin: germline.
Comment: This variant is classified as likely benign based on ACMG/AMP sequence variant interpretation guidelines (Richards et al. 2015 PMID: 25741868, with internal and published modifications).

NM_006277.3(ITSN2):c.960G>A (p.Leu320=)

Gene: ITSN2 (intersectin 2; minus strand). Cytogenetic location: 2p23.3.
Variant type: single nucleotide variant.
Coding change: c.960G>A on transcript NM_006277.3 (MANE Select); coding-DNA position 960, G replaced by A.
Protein change: p.Leu320=; no amino-acid change (leucine 320 retained).
Molecular consequence: synonymous variant.
Genome position (GRCh38, 1-based): chr2:24,302,000, C>T on the plus strand (G>A on the coding strand, the complement: ITSN2 is on the minus strand). VCF-style: chr2-24302000-C-T. GRCh37 (hg19) VCF-style: chr2-24524869-C-T.
Other names: c.918G>A, p.Leu306= (NM_001348181.2, NM_001348184.2); c.960G>A, p.Leu320= (NM_001348182.2, NM_001348183.2, NM_001348185.2 and 3 more transcripts).
Identifiers: ClinVar variation 5001555 (VCV005001555.1).
Genomic context (GRCh38, chr2:24,302,000, plus strand): 5'-GTTCTCCACCTCCAGGCACACTCACCTGAAAGATGGAGGAACAAGCTCAGGAGGTAAAGT[C>T]AGTGGTAATGGCTGTCCAGCTTTGGCCATGTCAGTAAGGTGCATTGCAAGAATAAACTCT-3'
Protein context (NP_006268.2, residues 310-330): DMAKAGQPLP[Leu320=]TLPPELVPPS